The following is an entry in ClinVar:

NM_000222.3(KIT):c.708A>G (p.Lys236=)

Gene: KIT (KIT proto-oncogene, receptor tyrosine kinase; plus strand). Cytogenetic location: 4q12.
Variant type: single nucleotide variant.
Coding change: c.708A>G on transcript NM_000222.3 (MANE Select); coding-DNA position 708, A replaced by G.
Protein change: p.Lys236=; no amino-acid change (lysine 236 retained).
Molecular consequence: synonymous variant.
Genome position (GRCh38, 1-based): chr4:54,699,718, A>G. VCF-style: chr4-54699718-A-G. GRCh37 (hg19) VCF-style: chr4-55565884-A-G.
Other names: c.708A>G, p.Lys236= (NM_001093772.2, NM_001385284.1, NM_001385285.1 and 4 more transcripts).
Identifiers: ClinVar variation 1537174 (VCV001537174.11), dbSNP rs1720332231, ClinGen allele CA439288222.
Genomic context (GRCh38, chr4:54,699,718, plus strand): 5'-GTCCAAAGCAAGCTATCTTCTTAGGGAAGGGGAAGAATTCACAGTGACGTGCACAATAAA[A>G]GATGTGTCTAGTTCTGTGTACTCAACGTGGAAAAGAGAAAACAGTCAGGTGAGTGAATCG-3'
Protein context (NP_000213.1, residues 226-246): GEEFTVTCTI[Lys236=]DVSSSVYSTW

ClinVar aggregate classification (germline): Benign/Likely benign. Review status: criteria provided, multiple submitters, no conflicts (2 of 4 stars). 3 submissions from 3 submitters: Benign (1); Likely benign (2). Last evaluated 2026-06-02.

Conditions:
Hereditary cancer-predisposing syndrome. Also called: Tumor predisposition; Neoplastic Syndromes, Hereditary; Hereditary Cancer Syndrome; Hereditary neoplastic syndrome. Identifiers: Orphanet 140162, MedGen C0027672, MeSH D009386, MONDO:0015356.
Gastrointestinal stromal tumor. Also called: Gastrointestinal stromal tumor, somatic; Gastrointestinal stroma tumor. Identifiers: Orphanet 44890, MedGen C0238198, MeSH D046152, MONDO:0011719, OMIM 606764, HP:0100723.

Allele frequency attached by ClinVar (database versions not stated): gnomAD exomes below 0.00001.
gnomAD v4.1: 1 of 1,614,022 alleles (0.000062%); highest among the groups gnomAD compares: Non-Finnish European, 0.000085%; no homozygotes.

Submissions (3):

Myriad Genetics, Inc.
Classification: Benign for Gastrointestinal stromal tumor. Last evaluated: 2026-06-02. Review status: criteria provided, single submitter. Criteria: Myriad Autosomal Dominant, Autosomal Recessive and X-Linked Classification Criteria (2023). Collection method: clinical testing. Allele origin: unknown.
Comment: This variant is considered benign. This variant is a silent/synonymous amino acid change and it is not expected to impact splicing.

Labcorp Genetics (formerly Invitae), Labcorp
Classification: Likely benign for Gastrointestinal stromal tumor. Last evaluated: 2022-12-24. Review status: criteria provided, single submitter. Criteria: Invitae Variant Classification Sherloc (09022015). Collection method: clinical testing. Allele origin: germline.

Ambry Genetics
Classification: Likely benign for Hereditary cancer-predisposing syndrome. Last evaluated: 2022-07-11. Review status: criteria provided, single submitter. Criteria: Ambry Variant Classification Scheme 2023. Collection method: clinical testing. Allele origin: germline.